The following is an entry in ClinVar:

NM_004211.5(SLC6A5):c.811+3G>A

Gene: SLC6A5 (solute carrier family 6 member 5; plus strand). Cytogenetic location: 11p15.1.
Variant type: single nucleotide variant.
Coding change: c.811+3G>A on transcript NM_004211.5 (MANE Select); 3 bases into the intron after coding-DNA position 811, G replaced by A.
Molecular consequence: intron variant.
Genome position (GRCh38, 1-based): chr11:20,607,141, G>A. VCF-style: chr11-20607141-G-A. GRCh37 (hg19) VCF-style: chr11-20628687-G-A.
Other names: c.109+3G>A (NM_001318369.2).
Identifiers: ClinVar variation 540365 (VCV000540365.6), dbSNP rs1555039131, ClinGen allele CA658797606.

ClinVar aggregate classification (germline): Uncertain significance (1 of 4 stars; one submission).

Conditions:
Hyperekplexia 3 (HKPX3). Also called: HYPEREKPLEXIA 3, AUTOSOMAL RECESSIVE; HYPEREKPLEXIA 3, AUTOSOMAL DOMINANT. Identifiers: Orphanet 3197, MedGen C3553288, MONDO:0013827, OMIM 614618.

gnomAD v4.1: 5 of 1,611,744 alleles (0.00031%); highest among the groups gnomAD compares: Non-Finnish European, 0.00042%; no homozygotes.

Submission:

Labcorp Genetics (formerly Invitae), Labcorp
Classification: Uncertain significance for Hyperekplexia 3. Last evaluated: 2025-01-15. Review status: criteria provided, single submitter. Criteria: Invitae Variant Classification Sherloc (09022015). Collection method: clinical testing. Allele origin: germline.
Comment: This sequence change falls in intron 4 of the SLC6A5 gene. It does not directly change the encoded amino acid sequence of the SLC6A5 protein. It affects a nucleotide within the consensus splice site. This variant is not present in population databases (gnomAD no frequency). This variant has not been reported in the literature in individuals affected with SLC6A5-related conditions. ClinVar contains an entry for this variant (Variation ID: 540365). Variants that disrupt the consensus splice site are a relatively common cause of aberrant splicing (PMID: 17576681, 9536098). Algorithms developed to predict the effect of sequence changes on RNA splicing suggest that this variant is not likely to affect RNA splicing. In summary, the available evidence is currently insufficient to determine the role of this variant in disease. Therefore, it has been classified as a Variant of Uncertain Significance.

Literature cited by the submitters: PubMed 17576681; PubMed 9536098.